The following is an entry in ClinVar:

ClinVar aggregate classification (germline): Uncertain significance (1 of 4 stars; one submission).

Conditions:
Adult-onset proximal spinal muscular atrophy, autosomal dominant. Also called: Spinal muscular atrophy, late-onset, finkel type; FINKEL LATE-ADULT TYPE SMA. Identifiers: Orphanet 209335, MedGen C1854058, MONDO:0008453, OMIM 182980.
Amyotrophic lateral sclerosis type 8 (ALS8). Identifiers: Orphanet 803, MedGen C1837728, MONDO:0012077, OMIM 608627.

Allele frequency attached by ClinVar (database versions not stated): gnomAD exomes 0.00001; ESP Exome Variant Server 0.00008.
gnomAD v4.1: 5 of 1,614,136 alleles (0.00031%); highest among the groups gnomAD compares: Non-Finnish European, 0.00042%; no homozygotes.

Submission:

Labcorp Genetics (formerly Invitae), Labcorp
Classification: Uncertain significance for Adult-onset proximal spinal muscular atrophy, autosomal dominant; Amyotrophic lateral sclerosis type 8. Last evaluated: 2024-02-06. Review status: criteria provided, single submitter. Criteria: Invitae Variant Classification Sherloc (09022015). Collection method: clinical testing. Allele origin: germline.
Comment: This sequence change replaces arginine, which is basic and polar, with tryptophan, which is neutral and slightly polar, at codon 197 of the VAPB protein (p.Arg197Trp). This variant is not present in population databases (gnomAD no frequency). This variant has not been reported in the literature in individuals affected with VAPB-related conditions. ClinVar contains an entry for this variant (Variation ID: 1444640). Advanced modeling of protein sequence and biophysical properties (such as structural, functional, and spatial information, amino acid conservation, physicochemical variation, residue mobility, and thermodynamic stability) performed at Invitae indicates that this missense variant is expected to disrupt VAPB protein function with a positive predictive value of 80%. Algorithms developed to predict the effect of sequence changes on RNA splicing suggest that this variant may disrupt the consensus splice site. In summary, the available evidence is currently insufficient to determine the role of this variant in disease. Therefore, it has been classified as a Variant of Uncertain Significance.

NM_004738.5(VAPB):c.589C>T (p.Arg197Trp)

Gene: VAPB (VAMP associated protein B and C; plus strand). Cytogenetic location: 20q13.32.
Variant type: single nucleotide variant.
Coding change: c.589C>T on transcript NM_004738.5 (MANE Select); coding-DNA position 589, C replaced by T.
Protein change: p.Arg197Trp; replaces arginine 197 with tryptophan.
Molecular consequence: missense variant. On other transcripts: non-coding transcript variant (1).
Genome position (GRCh38, 1-based): chr20:58,444,092, C>T. VCF-style: chr20-58444092-C-T. GRCh37 (hg19) VCF-style: chr20-57019148-C-T.
Other names: c.227C>T, p.Ala76Val (NM_001195677.2); short protein forms R197W, A76V.
Identifiers: ClinVar variation 1444640 (VCV001444640.8), dbSNP rs371134278, ClinGen allele CA316278618.